The following is an entry in ClinVar:

ClinVar aggregate classification (germline): Uncertain significance (1 of 4 stars; one submission).

Submission:

GeneDx
Classification: Uncertain significance. Last evaluated: 2025-04-11. Review status: criteria provided, single submitter. Criteria: GeneDx Variant Classification Process June 2021. Collection method: clinical testing. Allele origin: germline. Affected: yes.
Comment: Not observed at significant frequency in large population cohorts (gnomAD); In silico analysis supports that this missense variant has a deleterious effect on protein structure/function; Has not been previously published as pathogenic or benign to our knowledge

NM_001378452.1(ITPR1):c.728T>G (p.Phe243Cys)

Gene: ITPR1 (inositol 1,4,5-trisphosphate receptor type 1; plus strand). Cytogenetic location: 3p26.1.
Variant type: single nucleotide variant.
Coding change: c.728T>G on transcript NM_001378452.1 (MANE Select); coding-DNA position 728, T replaced by G.
Protein change: p.Phe243Cys; replaces phenylalanine 243 with cysteine.
Molecular consequence: missense variant.
Genome position (GRCh38, 1-based): chr3:4,645,601, T>G. VCF-style: chr3-4645601-T-G. GRCh37 (hg19) VCF-style: chr3-4687285-T-G.
Other names: c.728T>G, p.Phe243Cys (NM_001099952.4, NM_001168272.2, NM_002222.7); short protein forms F243C.
Identifiers: ClinVar variation 4282064 (VCV004282064.1).